The following is an entry in ClinVar:

ClinVar aggregate classification (germline): Pathogenic/Likely pathogenic. Review status: criteria provided, multiple submitters, no conflicts (2 of 4 stars). 2 submissions from 2 submitters: Pathogenic (1); Likely pathogenic (1). Last evaluated 2023-10-23.

Conditions:
HYPERHOMOCYSTEINEMIA, THROMBOTIC, CBS-RELATED. Identifiers: MedGen C3150344, OMIM 236200.
Classic homocystinuria. Also called: Homocystinuria due to Cystathionine Beta-Synthase Deficiency; Homocystinuria due to CBS deficiency; Cystathionine beta-synthase deficiency; CBS deficiency; HOMOCYSTINURIA WITH OR WITHOUT RESPONSE TO PYRIDOXINE. Identifiers: Orphanet 394, MedGen C0751202, MONDO:0009352, OMIM 236200.

Submissions (2):

Baylor Genetics
Classification: Likely pathogenic for Classic homocystinuria. Last evaluated: 2023-10-23. Review status: criteria provided, single submitter. Criteria: ACMG Guidelines, 2015. Collection method: clinical testing. Allele origin: unknown.

Labcorp Genetics (formerly Invitae), Labcorp
Classification: Pathogenic for HYPERHOMOCYSTEINEMIA, THROMBOTIC, CBS-RELATED. Last evaluated: 2022-06-13. Review status: criteria provided, single submitter. Criteria: Invitae Variant Classification Sherloc (09022015). Collection method: clinical testing. Allele origin: germline.
Comment: This variant has not been reported in the literature in individuals affected with CBS-related conditions. For these reasons, this variant has been classified as Pathogenic. ClinVar contains an entry for this variant (Variation ID: 1075453). This variant is not present in population databases (gnomAD no frequency). This sequence change creates a premature translational stop signal (p.Pro33Glnfs*49) in the CBS gene. It is expected to result in an absent or disrupted protein product. Loss-of-function variants in CBS are known to be pathogenic (PMID: 10338090, 12124992).

Literature cited by the submitters: PubMed 10338090 (cited by Labcorp Genetics (formerly Invitae), Labcorp); PubMed 12124992 (cited by Labcorp Genetics (formerly Invitae), Labcorp).

NM_000071.3(CBS):c.98del (p.Pro33fs)

Gene: CBS (cystathionine beta-synthase; minus strand). Cytogenetic location: 21q22.3.
Variant type: Deletion.
Coding change: c.98del on transcript NM_000071.3 (MANE Select); coding-DNA position 98, one base deleted (C; older notation c.98delC).
Protein change: p.Pro33fs; shifts the reading frame from proline 33.
Molecular consequence: frameshift variant.
Genome position (GRCh38, 1-based): chr21:43,072,096, G deleted on the plus strand (C on the coding strand, the reverse complement: CBS is on the minus strand); the first of 4 consecutive G bases (chr21:43,072,096-43,072,099); deleting any one gives the same sequence. VCF-style (leftmost placement, unchanged base first): chr21-43072095-TG-T. GRCh37 (hg19) VCF-style: chr21-44492205-TG-T.
Other names: c.98del, p.Pro33fs (NM_001178008.3, NM_001178009.3, NM_001320298.2); short protein forms P33fs.
Identifiers: ClinVar variation 1075453 (VCV001075453.9), dbSNP rs2146428203, ClinGen allele CA2499225948.
Genomic context (GRCh38, chr21:43,072,095, plus strand): 5'-GGTGCACCTGCTCGGAGCATCGGGCCGGATCCACAGGGGCTCCTTGGCTTCCTTATCCTC[TG>T]GGGACCCCTTCTCCAGGCTCCCCTTCGCCGAGTGTGGCCCTGAGCGGTGGGGGCAGCCTG-3'